The following is an entry in ClinVar:

NM_033004.4(NLRP1):c.1463A>G (p.Glu488Gly)

Gene: NLRP1 (NLR family pyrin domain containing 1; minus strand). Cytogenetic location: 17p13.2.
Variant type: single nucleotide variant.
Coding change: c.1463A>G on transcript NM_033004.4 (MANE Select); coding-DNA position 1463, A replaced by G.
Protein change: p.Glu488Gly; replaces glutamic acid 488 with glycine.
Molecular consequence: missense variant.
Genome position (GRCh38, 1-based): chr17:5,559,233, T>C on the plus strand (A>G on the coding strand, the complement: NLRP1 is on the minus strand). VCF-style: chr17-5559233-T-C. GRCh37 (hg19) VCF-style: chr17-5462553-T-C.
Other names: c.1463A>G, p.Glu488Gly (NM_033006.4, NM_033007.4, NM_001033053.3 and 1 more transcripts); short protein forms E488G.
Identifiers: ClinVar variation 3630557 (VCV003630557.2).

ClinVar aggregate classification (germline): Uncertain significance (1 of 4 stars; one submission).

Submission:

Labcorp Genetics (formerly Invitae), Labcorp
Classification: Uncertain significance. Last evaluated: 2024-10-09. Review status: criteria provided, single submitter. Criteria: Invitae Variant Classification Sherloc (09022015). Collection method: clinical testing. Allele origin: germline.
Comment: This sequence change replaces glutamic acid, which is acidic and polar, with glycine, which is neutral and non-polar, at codon 488 of the NLRP1 protein (p.Glu488Gly). This variant is not present in population databases (gnomAD no frequency). This variant has not been reported in the literature in individuals affected with NLRP1-related conditions. An algorithm developed to predict the effect of missense changes on protein structure and function (PolyPhen-2) suggests that this variant is likely to be tolerated. In summary, the available evidence is currently insufficient to determine the role of this variant in disease. Therefore, it has been classified as a Variant of Uncertain Significance.